The following is an entry in ClinVar:

NM_006922.4(SCN3A):c.686T>C (p.Val229Ala)

Gene: SCN3A (sodium voltage-gated channel alpha subunit 3; minus strand). Cytogenetic location: 2q24.3.
Variant type: single nucleotide variant.
Coding change: c.686T>C on transcript NM_006922.4 (MANE Select); coding-DNA position 686, T replaced by C.
Protein change: p.Val229Ala; replaces valine 229 with alanine.
Molecular consequence: missense variant. On other transcripts: intron variant (1).
Genome position (GRCh38, 1-based): chr2:165,163,626, A>G on the plus strand (T>C on the coding strand, the complement: SCN3A is on the minus strand). VCF-style: chr2-165163626-A-G. GRCh37 (hg19) VCF-style: chr2-166020136-A-G.
Other names: c.686T>C, p.Val229Ala (NM_001081676.2); c.694+176T>C (NM_001081677.2); c.686T>C (NM_006922.3); short protein forms V229A.
Identifiers: ClinVar variation 1413955 (VCV001413955.9), dbSNP rs1250254418, ClinGen allele CA349239480.

ClinVar aggregate classification (germline): Uncertain significance. Review status: criteria provided, multiple submitters, no conflicts (2 of 4 stars). 2 submissions from 2 submitters: Uncertain significance (2). Last evaluated 2025-05-03.

Allele frequency attached by ClinVar (database versions not stated): gnomAD exomes below 0.00001; gnomAD 0.00001.
gnomAD v4.1: 2 of 1,613,894 alleles (0.00012%); highest among the groups gnomAD compares: African/African-American, 0.0013%; no homozygotes.

Submissions (2):

GeneDx
Classification: Uncertain significance. Last evaluated: 2025-05-03. Review status: criteria provided, single submitter. Criteria: GeneDx Variant Classification Process June 2021. Collection method: clinical testing. Allele origin: germline. Affected: yes.
Comment: In silico analysis supports that this missense variant has a deleterious effect on protein structure/function; Has not been previously published as pathogenic or benign to our knowledge

Labcorp Genetics (formerly Invitae), Labcorp
Classification: Uncertain significance. Last evaluated: 2022-07-19. Review status: criteria provided, single submitter. Criteria: Invitae Variant Classification Sherloc (09022015). Collection method: clinical testing. Allele origin: germline.
Comment: In summary, the available evidence is currently insufficient to determine the role of this variant in disease. Therefore, it has been classified as a Variant of Uncertain Significance. Algorithms developed to predict the effect of missense changes on protein structure and function are either unavailable or do not agree on the potential impact of this missense change (SIFT: "Tolerated"; PolyPhen-2: "Probably Damaging"; Align-GVGD: "Class C0"). ClinVar contains an entry for this variant (Variation ID: 1413955). This variant has not been reported in the literature in individuals affected with SCN3A-related conditions. This variant is present in population databases (no rsID available, gnomAD 0.007%). This sequence change replaces valine, which is neutral and non-polar, with alanine, which is neutral and non-polar, at codon 229 of the SCN3A protein (p.Val229Ala).